The following is an entry in ClinVar:

ClinVar aggregate classification (germline): Likely benign (1 of 4 stars; one submission).

Submission:

CeGaT Center for Human Genetics Tuebingen
Classification: Likely benign. Last evaluated: 2026-06-01. Review status: criteria provided, single submitter. Criteria: CeGaT Center For Human Genetics Tuebingen Variant Classification Criteria Version 2. Collection method: clinical testing. Allele origin: germline. Affected: yes. Observed: 1 variant allele.
Comment: KIAA0753: PM2:Supporting, BP4, BP7

NM_014804.3(KIAA0753):c.348T>C (p.His116=)

Gene: KIAA0753 (KIAA0753; minus strand). Cytogenetic location: 17p13.1.
Variant type: single nucleotide variant.
Coding change: c.348T>C on transcript NM_014804.3 (MANE Select); coding-DNA position 348, T replaced by C.
Protein change: p.His116=; no amino-acid change (histidine 116 retained).
Molecular consequence: synonymous variant. On other transcripts: non-coding transcript variant (3), 5 prime UTR variant (1).
Genome position (GRCh38, 1-based): chr17:6,628,487, A>G on the plus strand (T>C on the coding strand, the complement: KIAA0753 is on the minus strand). VCF-style: chr17-6628487-A-G. GRCh37 (hg19) VCF-style: chr17-6531807-A-G.
Other names: c.-887T>C (NM_001351225.2).
Identifiers: ClinVar variation 4875184 (VCV004875184.2).